The following is an entry in ClinVar:

ClinVar aggregate classification (germline): Pathogenic. Review status: reviewed by expert panel (3 of 4 stars). 3 submissions from 3 submitters: Pathogenic (1). 2 of the submissions do not count toward it. Last evaluated 2016-10-18.

Conditions:
Breast-ovarian cancer, familial, susceptibility to, 2 (BROVCA2). Also called: BRCA2 Hereditary Breast and Ovarian Cancer. Identifiers: Orphanet 145, MedGen C2675520, MONDO:0012933, OMIM 612555. Disease mechanism: loss of function.

Submissions (3):

Evidence-based Network for the Interpretation of Germline Mutant Alleles (ENIGMA)
Classification: Pathogenic for Breast-ovarian cancer, familial, susceptibility to, 2. Last evaluated: 2016-10-18. Review status: reviewed by expert panel. Criteria: ENIGMA BRCA1/2 Classification Criteria (2015). Collection method: curation. Allele origin: germline.
Comment: Variant allele predicted to encode a truncated non-functional protein.

GeneDx
Classification: Pathogenic. Last evaluated: 2016-06-22. Review status: criteria provided, single submitter. Criteria: GeneDx Variant Classification (06012015). Collection method: clinical testing. Allele origin: germline. Affected: yes. Not counted in ClinVar's aggregate classification.
Comment: This deletion of one nucleotide in BRCA2 is denoted c.723delG at the cDNA level and p.Asn243MetfsX8 (N243MfsX8) at the protein level. The normal sequence, with the base that is deleted in braces, is TGAA[G]AAAAAT. The deletion causes a frameshift which changes an Asparagine to a Methionine at codon 243, and creates a premature stop codon at position 8 of the new reading frame. Although this variant has not, to our knowledge, been reported in the literature, it is predicted to cause loss of normal protein function through either protein truncation or nonsense-mediated mRNA decay. We consider this variant to be pathogenic.

Consortium of Investigators of Modifiers of BRCA1/2 (CIMBA), c/o University of Cambridge
Classification: Pathogenic for Breast-ovarian cancer, familial, susceptibility to, 2. Last evaluated: 2015-10-02. Review status: criteria provided, single submitter. Criteria: CIMBA Mutation Classification guidelines May 2016. Collection method: clinical testing. Allele origin: germline. Not counted in ClinVar's aggregate classification.

NM_000059.4(BRCA2):c.723del (p.Asn243fs)

Gene: BRCA2 (BRCA2 DNA repair associated; plus strand). Cytogenetic location: 13q13.1.
Variant type: Deletion.
Coding change: c.723del on transcript NM_000059.4 (MANE Select); coding-DNA position 723, one base deleted (G; older notation c.723delG).
Protein change: p.Asn243fs; shifts the reading frame from asparagine 243.
Molecular consequence: frameshift variant.
Genome position (GRCh38, 1-based): chr13:32,330,960, G deleted. VCF-style (leftmost placement, unchanged base first): chr13-32330959-AG-A. GRCh37 (hg19) VCF-style: chr13-32905096-AG-A.
Other names: 951delG; c.723delG (NM_000059.3).
Identifiers: ClinVar variation 266995 (VCV000266995.6), dbSNP rs886040694, ClinGen allele CA10589043.